The following is an entry in ClinVar:

ClinVar aggregate classification (germline): Uncertain significance (1 of 4 stars; one submission).

Conditions:
Tourette syndrome (GTS). Also called: GILLES DE LA TOURETTE SYNDROME. Identifiers: MedGen C0040517, MONDO:0007661, OMIM 137580.

Allele frequency attached by ClinVar (database versions not stated): TOPMed 0.00001.
gnomAD v4.1: 1 of 1,614,016 alleles (0.000062%); highest among the groups gnomAD compares: African/African-American, 0.0013%; no homozygotes.

Submission:

Baylor Genetics
Classification: Uncertain significance for Tourette syndrome. Last evaluated: 2018-01-09. Review status: criteria provided, single submitter. Criteria: ACMG Guidelines, 2015. Collection method: clinical testing. Allele origin: unknown. Affected: yes.
Comment: This variant was determined to be of uncertain significance according to ACMG Guidelines, 2015 [PMID:25741868].

NM_002112.4(HDC):c.1511C>A (p.Thr504Lys)

Gene: HDC (histidine decarboxylase; minus strand). Cytogenetic location: 15q21.2.
Variant type: single nucleotide variant.
Coding change: c.1511C>A on transcript NM_002112.4 (MANE Select); coding-DNA position 1511, C replaced by A.
Protein change: p.Thr504Lys; replaces threonine 504 with lysine.
Molecular consequence: missense variant.
Genome position (GRCh38, 1-based): chr15:50,242,738, G>T on the plus strand (C>A on the coding strand, the complement: HDC is on the minus strand). VCF-style: chr15-50242738-G-T. GRCh37 (hg19) VCF-style: chr15-50534935-G-T.
Other names: c.1412C>A, p.Thr471Lys (NM_001306146.2); short protein forms T471K, T504K.
Identifiers: ClinVar variation 1033484 (VCV001033484.1), dbSNP rs750738762, ClinGen allele CA392377905.
Genomic context (GRCh38, chr15:50,242,738, plus strand): 5'-TTGATGATCTTCCTGGCCTGGACTGGATCATCTCCTGCCCCACTGACAGACTGAAGGGAC[G>T]TTCCACAGGCCCAGGCTCTGGCACCCCTGATTTGGGAGATGAGGTTCCCAACCCGAGGGC-3'
Protein context (NP_002103.2, residues 494-514): IRGARAWACG[Thr504Lys]SLQSVSGAGD